The following is an entry in ClinVar:

ClinVar aggregate classification (germline): Uncertain significance (1 of 4 stars; one submission).

Conditions:
Familial sleep-related hypermotor epilepsy. Also called: Autosomal Dominant Sleep-Related Hypermotor (Hyperkinetic) Epilepsy. Identifiers: Orphanet 98784, MedGen C3696898, MONDO:0000030.

Submission:

Labcorp Genetics (formerly Invitae), Labcorp
Classification: Uncertain significance. Last evaluated: 2022-07-19. Review status: criteria provided, single submitter. Criteria: Invitae Variant Classification Sherloc (09022015). Collection method: clinical testing. Allele origin: germline.
Comment: This variant has not been reported in the literature in individuals affected with CHRNB2-related conditions. This sequence change replaces arginine, which is basic and polar, with cysteine, which is neutral and slightly polar, at codon 360 of the CHRNB2 protein (p.Arg360Cys). This variant is not present in population databases (gnomAD no frequency). ClinVar contains an entry for this variant (Variation ID: 1515508). Advanced modeling of protein sequence and biophysical properties (such as structural, functional, and spatial information, amino acid conservation, physicochemical variation, residue mobility, and thermodynamic stability) performed at Invitae indicates that this missense variant is not expected to disrupt CHRNB2 protein function. In summary, the available evidence is currently insufficient to determine the role of this variant in disease. Therefore, it has been classified as a Variant of Uncertain Significance.

NM_000748.3(CHRNB2):c.1078C>T (p.Arg360Cys)

Gene: CHRNB2 (cholinergic receptor nicotinic beta 2 subunit; plus strand). Cytogenetic location: 1q21.3.
Variant type: single nucleotide variant.
Coding change: c.1078C>T on transcript NM_000748.3 (MANE Select); coding-DNA position 1078, C replaced by T.
Protein change: p.Arg360Cys; replaces arginine 360 with cysteine.
Molecular consequence: missense variant.
Genome position (GRCh38, 1-based): chr1:154,571,901, C>T. VCF-style: chr1-154571901-C-T. GRCh37 (hg19) VCF-style: chr1-154544377-C-T.
Other names: short protein forms R360C.
Identifiers: ClinVar variation 1515508 (VCV001515508.6), dbSNP rs2101521916, ClinGen allele CA342631444.